The following is an entry in ClinVar:

NM_025077.4(TOE1):c.1159G>A (p.Asp387Asn)

Gene: TOE1 (target of EGR1, exonuclease; plus strand). Cytogenetic location: 1p34.1.
Variant type: single nucleotide variant.
Coding change: c.1159G>A on transcript NM_025077.4 (MANE Select); coding-DNA position 1159, G replaced by A.
Protein change: p.Asp387Asn; replaces aspartic acid 387 with asparagine.
Molecular consequence: missense variant.
Genome position (GRCh38, 1-based): chr1:45,343,328, G>A. VCF-style: chr1-45343328-G-A. GRCh37 (hg19) VCF-style: chr1-45809000-G-A.
Other names: short protein forms D387N.
Identifiers: ClinVar variation 1028867 (VCV001028867.4), dbSNP rs140119746, ClinGen allele CA826789.
Genomic context (GRCh38, chr1:45,343,328, plus strand): 5'-AAGAAGCAGGTCTGTGGGGATAGCATCAAGCCTGAAGAAACCGAGCAGGAGGTGGCTGCC[G>A]ATGAAACTAGGAACCTGCCTCACTCCAAGCAAGGCAACAAAAATGACTTAGAGATGGGGA-3'
Protein context (NP_079353.3, residues 377-397): PEETEQEVAA[Asp387Asn]ETRNLPHSKQ

ClinVar aggregate classification (germline): Uncertain significance. Review status: criteria provided, multiple submitters, no conflicts (2 of 4 stars). 2 submissions from 2 submitters: Uncertain significance (2). Last evaluated 2022-03-22.

Conditions:
Pontocerebellar hypoplasia type 7. Identifiers: Orphanet 284339, MedGen C3554226, MONDO:0013993, OMIM 614969.

Allele frequency attached by ClinVar (database versions not stated): gnomAD 0.00002; gnomAD exomes 0.00002 and 0.00004; TOPMed 0.00004; ExAC 0.00006; ESP Exome Variant Server 0.00008.
gnomAD v4.1: 35 of 1,613,934 alleles (0.0022%); highest among the groups gnomAD compares: Admixed American, 0.01%; no homozygotes.

Submissions (2):

Labcorp Genetics (formerly Invitae), Labcorp
Classification: Uncertain significance. Last evaluated: 2022-03-22. Review status: criteria provided, single submitter. Criteria: Invitae Variant Classification Sherloc (09022015). Collection method: clinical testing. Allele origin: germline.
Comment: This sequence change replaces aspartic acid, which is acidic and polar, with asparagine, which is neutral and polar, at codon 387 of the TOE1 protein (p.Asp387Asn). This variant is present in population databases (rs140119746, gnomAD 0.01%). This variant has not been reported in the literature in individuals affected with TOE1-related conditions. ClinVar contains an entry for this variant (Variation ID: 1028867). Algorithms developed to predict the effect of missense changes on protein structure and function output the following: SIFT: "Tolerated"; PolyPhen-2: "Benign"; Align-GVGD: "Class C0". The asparagine amino acid residue is found in multiple mammalian species, which suggests that this missense change does not adversely affect protein function. In summary, the available evidence is currently insufficient to determine the role of this variant in disease. Therefore, it has been classified as a Variant of Uncertain Significance.

Baylor Genetics
Classification: Uncertain significance for Pontocerebellar hypoplasia type 7. Last evaluated: 2019-06-21. Review status: criteria provided, single submitter. Criteria: ACMG Guidelines, 2015. Collection method: clinical testing. Allele origin: unknown. Affected: yes.
Comment: This variant was determined to be of uncertain significance according to ACMG Guidelines, 2015 [PMID:25741868].